The following is an entry in ClinVar:

NM_001114753.3(ENG):c.776T>G (p.Val259Gly)

Gene: ENG (endoglin; minus strand). Cytogenetic location: 9q34.11.
Variant type: single nucleotide variant.
Coding change: c.776T>G on transcript NM_001114753.3 (MANE Select); coding-DNA position 776, T replaced by G.
Protein change: p.Val259Gly; replaces valine 259 with glycine.
Molecular consequence: missense variant.
Genome position (GRCh38, 1-based): chr9:127,825,271, A>C on the plus strand (T>G on the coding strand, the complement: ENG is on the minus strand). VCF-style: chr9-127825271-A-C. GRCh37 (hg19) VCF-style: chr9-130587550-A-C.
Other names: c.776T>G, p.Val259Gly (NM_000118.4, NM_001406715.1); c.230T>G, p.Val77Gly (NM_001278138.2); short protein forms V259G, V77G.
Identifiers: ClinVar variation 982481 (VCV000982481.5), dbSNP rs895393705, ClinGen allele CA374983226.

ClinVar aggregate classification (germline): Uncertain significance. Review status: criteria provided, multiple submitters, no conflicts (2 of 4 stars). 2 submissions from 2 submitters: Uncertain significance (2). Last evaluated 2023-03-30.

Conditions:
Telangiectasia, hereditary hemorrhagic, type 1 (HHT1). Also called: Osler Weber Rendu syndrome type 1; ENG-Related Hereditary Hemorrhagic Telangiectasia. Identifiers: Orphanet 774, MedGen C4551861, MONDO:0008535, OMIM 187300. Disease mechanism: loss of function.

Submissions (2):

Molecular Genetics, Royal Melbourne Hospital
Classification: Uncertain significance for Telangiectasia, hereditary hemorrhagic, type 1. Last evaluated: 2023-03-30. Review status: criteria provided, single submitter. Criteria: ACMG Guidelines, 2015. Collection method: clinical testing. Allele origin: germline. Affected: yes.
Comment: This sequence change is predicted to replace valine with glycine at codon 259 of the ENG protein (p.(Val259Gly)). The valine residue is moderately conserved (100 vertebrates, UCSC), and is located in a beta strand in the C-terminal part of the OR1 domain. There is a large physicochemical difference between valine and glycine. The variant is absent in a large population cohort (gnomAD v2.1 and v3.1). It has been identified in at least two individuals with a clinical diagnosis of hereditary haemorrhagic telangiectasia (PMID: 32573726, Royal Melbourne Hospital). Multiple lines of computational evidence have conflicting predictions for the missense substitution (4/6 algorithms predict deleterious). Based on the classification scheme RMH Modified ACMG Guidelines v1.4.0, this variant is classified as a VARIANT OF UNCERTAIN SIGNIFICANCE. Following criteria are met: PS4_Moderate, PM2_Supporting.

NIHR Bioresource Rare Diseases, University of Cambridge
Classification: Uncertain significance for Telangiectasia, hereditary hemorrhagic, type 1. Last evaluated: 2018-01-01. Review status: criteria provided, single submitter. Criteria: ACMG Guidelines, 2015. Collection method: research. Allele origin: unknown. Affected: yes. Observed: 1 variant allele.
Comment: PM2+PP4+PP3

Literature cited by the submitters: PubMed 32573726 (cited by Molecular Genetics, Royal Melbourne Hospital and NIHR Bioresource Rare Diseases, University of Cambridge).